The following is an entry in ClinVar:

NM_001368397.1(FRMPD4):c.1525G>A (p.Ala509Thr)

Gene: FRMPD4 (FERM and PDZ domain containing 4; plus strand). Cytogenetic location: Xp22.2.
Variant type: single nucleotide variant.
Coding change: c.1525G>A on transcript NM_001368397.1 (MANE Select); coding-DNA position 1525, G replaced by A.
Protein change: p.Ala509Thr; replaces alanine 509 with threonine.
Molecular consequence: missense variant.
Genome position (GRCh38, 1-based): chrX:12,710,453, G>A. VCF-style: chrX-12710453-G-A. GRCh37 (hg19) VCF-style: chrX-12728572-G-A.
Other names: c.1636G>A, p.Ala546Thr (NM_001368395.3, NM_001368398.3); c.1531G>A, p.Ala511Thr (NM_001368396.3); c.1516G>A, p.Ala506Thr (NM_001368399.3); c.1405G>A, p.Ala469Thr (NM_001368400.3); c.1501G>A, p.Ala501Thr (NM_001368401.1, NM_001368402.3); c.1525G>A, p.Ala509Thr (NM_014728.3); short protein forms A469T, A501T, A506T, A509T, A511T, A546T.
Identifiers: ClinVar variation 2577663 (VCV002577663.2), dbSNP rs2519826121, ClinGen allele CA412009694.

ClinVar aggregate classification (germline): Uncertain significance (1 of 4 stars; one submission).

Submission:

GeneDx
Classification: Uncertain significance. Last evaluated: 2026-02-21. Review status: criteria provided, single submitter. Criteria: GeneDx Variant Classification Process June 2021. Collection method: clinical testing. Allele origin: germline.
Comment: Not observed at significant frequency in large population cohorts (gnomAD); In silico analysis supports that this missense variant has a deleterious effect on protein structure/function; Has not been previously published as pathogenic or benign to our knowledge